The following is an entry in ClinVar:

ClinVar aggregate classification (germline): Uncertain significance. Review status: criteria provided, multiple submitters, no conflicts (2 of 4 stars). 2 submissions from 2 submitters: Uncertain significance (2). Last evaluated 2026-05-22.

Conditions:
Hereditary cancer-predisposing syndrome. Also called: Tumor predisposition; Neoplastic Syndromes, Hereditary; Hereditary neoplastic syndrome; Hereditary Cancer Syndrome. Identifiers: Orphanet 140162, MedGen C0027672, MeSH D009386, MONDO:0015356.

Allele frequency attached by ClinVar (database versions not stated): gnomAD exomes below 0.00001.
gnomAD v4.1: 1 of 1,613,030 alleles (0.000062%); highest among the groups gnomAD compares: Non-Finnish European, 0.000085%; no homozygotes.

Submissions (2):

Ambry Genetics
Classification: Uncertain significance for Hereditary cancer-predisposing syndrome. Last evaluated: 2026-05-22. Review status: criteria provided, single submitter. Criteria: Ambry Variant Classification Scheme 2023. Collection method: clinical testing. Allele origin: germline.
Comment: The c.1389+4A>G intronic variant results from an A to G substitution 4 nucleotides after coding exon 9 in the CTNNA1 gene. This nucleotide position is well conserved in available vertebrate species. In silico splice site analysis predicts that this alteration will not have any significant effect on splicing. Based on the available evidence, the clinical significance of this variant remains unclear.

Labcorp Genetics (formerly Invitae), Labcorp
Classification: Uncertain significance. Last evaluated: 2024-04-16. Review status: criteria provided, single submitter. Criteria: Invitae Variant Classification Sherloc (09022015). Collection method: clinical testing. Allele origin: germline.
Comment: This sequence change falls in intron 10 of the CTNNA1 gene. It does not directly change the encoded amino acid sequence of the CTNNA1 protein. It affects a nucleotide within the consensus splice site. This variant is not present in population databases (gnomAD no frequency). This variant has not been reported in the literature in individuals affected with CTNNA1-related conditions. ClinVar contains an entry for this variant (Variation ID: 856251). Variants that disrupt the consensus splice site are a relatively common cause of aberrant splicing (PMID: 17576681, 9536098). Algorithms developed to predict the effect of sequence changes on RNA splicing suggest that this variant is not likely to affect RNA splicing. In summary, the available evidence is currently insufficient to determine the role of this variant in disease. Therefore, it has been classified as a Variant of Uncertain Significance.

Literature cited by the submitters: PubMed 17576681 (cited by Labcorp Genetics (formerly Invitae), Labcorp); PubMed 9536098 (cited by Labcorp Genetics (formerly Invitae), Labcorp).

NM_001903.5(CTNNA1):c.1389+4A>G

Gene: CTNNA1 (catenin alpha 1; plus strand). Cytogenetic location: 5q31.2.
Variant type: single nucleotide variant.
Coding change: c.1389+4A>G on transcript NM_001903.5 (MANE Select); 4 bases into the intron after coding-DNA position 1389, A replaced by G.
Molecular consequence: intron variant.
Genome position (GRCh38, 1-based): chr5:138,904,445, A>G. VCF-style: chr5-138904445-A-G. GRCh37 (hg19) VCF-style: chr5-138240134-A-G.
Other names: c.1389+4A>G (NM_001903.2, NM_001323982.2, NM_001323984.2 and 3 more transcripts); c.1297-13297A>G (NM_001323986.2); c.1020+4A>G (NM_001290310.3); c.1080+4A>G (NM_001290309.3); c.279+4A>G (NM_001323996.1, NM_001323993.1, NM_001324005.1 and 17 more transcripts); c.-119+4A>G (NM_001324007.1, NM_001324009.1, NM_001324006.1 and 1 more transcripts); c.36+4A>G (NM_001324013.1, NM_001324012.1); c.187-13297A>G (NM_001324011.1); and 1 more.
Identifiers: ClinVar variation 856251 (VCV000856251.8), dbSNP rs1758729127, ClinGen allele CA916082775.
Genomic context (GRCh38, chr5:138,904,445, plus strand): 5'-GAAGGTGTAAAGCTTGTTCGAATGTCTGCAAGCCAGTTAGAAGCCCTCTGTCCTCAGGTA[A>G]AGTACAACTGACACTGGTGACAGCATAACCAAATTAAATTTTGATTCAAGTGGAGATGAG-3'